The following is an entry in ClinVar:

NM_000433.4(NCF2):c.608C>T (p.Thr203Met)

Gene: NCF2 (neutrophil cytosolic factor 2; minus strand). Cytogenetic location: 1q25.3.
Variant type: single nucleotide variant.
Coding change: c.608C>T on transcript NM_000433.4 (MANE Select); coding-DNA position 608, C replaced by T.
Protein change: p.Thr203Met; replaces threonine 203 with methionine.
Molecular consequence: missense variant. On other transcripts: intron variant (1).
Genome position (GRCh38, 1-based): chr1:183,573,186, G>A on the plus strand (C>T on the coding strand, the complement: NCF2 is on the minus strand). VCF-style: chr1-183573186-G-A. GRCh37 (hg19) VCF-style: chr1-183542321-G-A.
Other names: c.608C>T, p.Thr203Met (NM_001127651.3); c.473C>T, p.Thr158Met (NM_001190794.2); c.367-2347C>T (NM_001190789.2); short protein forms T203M, T158M.
Identifiers: ClinVar variation 2172460 (VCV002172460.1), dbSNP rs760085363, ClinGen allele CA1284919.

ClinVar aggregate classification (germline): Uncertain significance (1 of 4 stars; one submission).

Conditions:
Granulomatous disease, chronic, autosomal recessive, cytochrome b-positive, type 2. Also called: GRANULOMATOUS DISEASE, CHRONIC, DUE TO NCF2 DEFICIENCY; Chronic granulomatous disease due to deficiency of NCF-2; Chronic Granulomatous Disease, Autosomal Recessive, Cytochrome b-Positive, Type II; CGD, AUTOSOMAL RECESSIVE CYTOCHROME b-POSITIVE, TYPE II; GRANULOMATOUS DISEASE, CHRONIC, AUTOSOMAL RECESSIVE, 2. Identifiers: Orphanet 379, MedGen C1856245, MONDO:0009310, OMIM 233710.

Allele frequency attached by ClinVar (database versions not stated): ExAC 0.00001; gnomAD exomes 0.00001; gnomAD 0.00003; TOPMed 0.00003.
gnomAD v4.1: 22 of 1,613,758 alleles (0.0014%); highest among the groups gnomAD compares: African/African-American, 0.004%; no homozygotes.

Submission:

Labcorp Genetics (formerly Invitae), Labcorp
Classification: Uncertain significance for Granulomatous disease, chronic, autosomal recessive, cytochrome b-positive, type 2. Last evaluated: 2022-07-23. Review status: criteria provided, single submitter. Criteria: Invitae Variant Classification Sherloc (09022015). Collection method: clinical testing. Allele origin: germline.
Comment: This sequence change replaces threonine, which is neutral and polar, with methionine, which is neutral and non-polar, at codon 203 of the NCF2 protein (p.Thr203Met). This variant is present in population databases (rs760085363, gnomAD 0.008%). This variant has not been reported in the literature in individuals affected with NCF2-related conditions. Algorithms developed to predict the effect of missense changes on protein structure and function are either unavailable or do not agree on the potential impact of this missense change (SIFT: "Tolerated"; PolyPhen-2: "Possibly Damaging"; Align-GVGD: "Class C0"). In summary, the available evidence is currently insufficient to determine the role of this variant in disease. Therefore, it has been classified as a Variant of Uncertain Significance.